The following is an entry in ClinVar:

ClinVar aggregate classification (germline): Uncertain significance (1 of 4 stars; one submission).

Conditions:
Familial adenomatous polyposis 1 (FAP1). Also called: FAMILIAL ADENOMATOUS POLYPOSIS 1, ATTENUATED; POLYPOSIS, ADENOMATOUS INTESTINAL. Identifiers: MedGen C2713442, MONDO:0021056, OMIM 175100. Disease mechanism: loss of function.

Submission:

Labcorp Genetics (formerly Invitae), Labcorp
Classification: Uncertain significance for Familial adenomatous polyposis 1. Last evaluated: 2024-05-31. Review status: criteria provided, single submitter. Criteria: Invitae Variant Classification Sherloc (09022015). Collection method: clinical testing. Allele origin: germline.
Comment: This variant occurs in a non-coding region of the APC gene. It does not change the encoded amino acid sequence of the APC protein. This variant is present in population databases (no rsID available, gnomAD 0.007%). This variant has not been reported in the literature in individuals affected with APC-related conditions. Experimental studies and prediction algorithms are not available or were not evaluated, and the functional significance of this variant is currently unknown. In summary, the available evidence is currently insufficient to determine the role of this variant in disease. Therefore, it has been classified as a Variant of Uncertain Significance.

NM_001127511.3(APC):c.-163G>C

Gene: APC (APC regulator of Wnt signaling pathway; plus strand). Cytogenetic location: 5q22.2.
Variant type: single nucleotide variant.
Coding change: c.-163G>C on transcript NM_001127511.3; 163 bases upstream of the start codon, G replaced by C.
Molecular consequence: 5 prime UTR variant. On other transcripts: non-coding transcript variant (2).
Genome position (GRCh38, 1-based): chr5:112,707,555, G>C. VCF-style: chr5-112707555-G-C. GRCh37 (hg19) VCF-style: chr5-112043252-G-C.
Other names: c.-163G>C (NM_001354897.2, NM_001354902.2, NM_001407446.1); c.-346G>C (NM_001407447.1, NM_001407452.1, NM_001407456.1 and 3 more transcripts); c.-113G>C (NM_001407448.1, NM_001407450.1, NM_001407457.1 and 1 more transcripts); c.-137G>C (NM_001407453.1); c.-1381G>C (NM_001407470.1, NM_001407472.1).
Identifiers: ClinVar variation 1018987 (VCV001018987.7), dbSNP rs558562104, ClinGen allele CA561890249.
Genomic context (GRCh38, chr5:112,707,555, plus strand): 5'-TGCGCATTGTAGTCTTCCCACCTCCCACAAGATGGCGGAGGGCAAGTAGCAAGGGGGCGG[G>C]GTGTGGCCGCCGGAAGCCTAGCCGCTGCTCGGGGGGGACCTGCGGGCTCAGGCCCGGGAG-3'